The following is an entry in ClinVar:

ClinVar aggregate classification (germline): Uncertain significance. Review status: criteria provided, multiple submitters, no conflicts (2 of 4 stars). 6 submissions from 5 submitters: Uncertain significance (5). 1 of the submissions does not count toward it. Last evaluated 2025-12-05.

Conditions:
Usher syndrome type 2A. Also called: RETINAL DISEASE IN USHER SYNDROME TYPE IIA, MODIFIER OF; USHER SYNDROME, TYPE IIA. Identifiers: Orphanet 231178, Orphanet 886, MedGen C1848634, MONDO:0010169, OMIM 276901.
Retinitis pigmentosa 39 (RP39). Identifiers: Orphanet 791, MedGen C3151138, MONDO:0013436, OMIM 613809.

Allele frequency attached by ClinVar (database versions not stated): ExAC 0.00001; gnomAD 0.00002; TOPMed 0.00002; ESP Exome Variant Server 0.00008.
gnomAD v4.1: 41 of 1,612,702 alleles (0.0025%); highest among the groups gnomAD compares: Non-Finnish European, 0.0034%; no homozygotes.

Submissions (6):

GeneDx
Classification: Uncertain significance. Last evaluated: 2025-12-05. Review status: criteria provided, single submitter. Criteria: GeneDx Variant Classification Process June 2021. Collection method: clinical testing. Allele origin: germline. Affected: yes.
Comment: Has not been previously published as pathogenic or benign to our knowledge; In silico analysis suggests that this missense variant does not alter protein structure/function; Not observed at significant frequency in large population cohorts (gnomAD)

Genome-Nilou Lab
Classification: Uncertain significance for Usher syndrome type 2A. Last evaluated: 2023-11-04. Review status: criteria provided, single submitter. Criteria: ACMG Guidelines, 2015. Collection method: clinical testing. Allele origin: germline. Affected: no.

Genome-Nilou Lab
Classification: Uncertain significance for Retinitis pigmentosa 39. Last evaluated: 2023-11-04. Review status: criteria provided, single submitter. Criteria: ACMG Guidelines, 2015. Collection method: clinical testing. Allele origin: germline. Affected: no.

Labcorp Genetics (formerly Invitae), Labcorp
Classification: Uncertain significance. Last evaluated: 2022-07-17. Review status: criteria provided, single submitter. Criteria: Invitae Variant Classification Sherloc (09022015). Collection method: clinical testing. Allele origin: germline.
Comment: This sequence change replaces leucine, which is neutral and non-polar, with phenylalanine, which is neutral and non-polar, at codon 2395 of the USH2A protein (p.Leu2395Phe). This variant is present in population databases (rs372950392, gnomAD 0.004%). This variant has not been reported in the literature in individuals affected with USH2A-related conditions. ClinVar contains an entry for this variant (Variation ID: 1038947). Algorithms developed to predict the effect of missense changes on protein structure and function output the following: SIFT: "Deleterious"; PolyPhen-2: "Benign"; Align-GVGD: "Class C0". The phenylalanine amino acid residue is found in multiple mammalian species, which suggests that this missense change does not adversely affect protein function. In summary, the available evidence is currently insufficient to determine the role of this variant in disease. Therefore, it has been classified as a Variant of Uncertain Significance.

Fulgent Genetics
Classification: Uncertain significance for Usher syndrome type 2A; Retinitis pigmentosa 39. Last evaluated: 2021-07-20. Review status: criteria provided, single submitter. Criteria: ACMG Guidelines, 2015. Collection method: clinical testing. Allele origin: unknown.

Natera, Inc.
Classification: Uncertain significance for Usher syndrome type 2A. Last evaluated: 2020-03-04. Review status: no assertion criteria provided. Collection method: clinical testing. Allele origin: germline. Not counted in ClinVar's aggregate classification.

NM_206933.4(USH2A):c.7183C>T (p.Leu2395Phe)

Gene: USH2A (usherin; minus strand). Cytogenetic location: 1q41.
Variant type: single nucleotide variant.
Coding change: c.7183C>T on transcript NM_206933.4 (MANE Select); coding-DNA position 7183, C replaced by T.
Protein change: p.Leu2395Phe; replaces leucine 2395 with phenylalanine.
Molecular consequence: missense variant.
Genome position (GRCh38, 1-based): chr1:215,934,733, G>A on the plus strand (C>T on the coding strand, the complement: USH2A is on the minus strand). VCF-style: chr1-215934733-G-A. GRCh37 (hg19) VCF-style: chr1-216108075-G-A.
Other names: short protein forms L2395F.
Identifiers: ClinVar variation 1038947 (VCV001038947.9), dbSNP rs372950392, ClinGen allele CA1394922.